The following is an entry in ClinVar:

ClinVar aggregate classification (germline): Uncertain significance (1 of 4 stars; one submission).

Conditions:
Developmental and epileptic encephalopathy, 31A. Also called: Epileptic encephalopathy, early infantile, 31; Developmental and epileptic encephalopathy, 31. Identifiers: Orphanet 2382, MedGen C4225357, MONDO:0014598, OMIM 616346.

Allele frequency attached by ClinVar (database versions not stated): gnomAD exomes below 0.00001; TOPMed below 0.00001.

Submission:

Labcorp Genetics (formerly Invitae), Labcorp
Classification: Uncertain significance for Developmental and epileptic encephalopathy, 31A. Last evaluated: 2023-05-05. Review status: criteria provided, single submitter. Criteria: Invitae Variant Classification Sherloc (09022015). Collection method: clinical testing. Allele origin: germline.
Comment: In summary, the available evidence is currently insufficient to determine the role of this variant in disease. Therefore, it has been classified as a Variant of Uncertain Significance. Variants that disrupt the consensus splice site are a relatively common cause of aberrant splicing (PMID: 17576681, 9536098). Algorithms developed to predict the effect of sequence changes on RNA splicing suggest that this variant may disrupt the consensus splice site. This variant has not been reported in the literature in individuals affected with DNM1-related conditions. This variant is not present in population databases (gnomAD no frequency). This sequence change falls in intron 11 of the DNM1 gene. It does not directly change the encoded amino acid sequence of the DNM1 protein. It affects a nucleotide within the consensus splice site.

Literature cited by the submitters: PubMed 17576681; PubMed 9536098.

NM_004408.4(DNM1):c.1422+5del

Gene: DNM1 (dynamin 1; plus strand). Cytogenetic location: 9q34.11.
Variant type: Deletion.
Coding change: c.1422+5del on transcript NM_004408.4 (MANE Select); 5 bases into the intron after coding-DNA position 1422, one base deleted (G; older notation c.1422+5delG).
Molecular consequence: intron variant.
Genome position (GRCh38, 1-based): chr9:128,234,112, G deleted. VCF-style (leftmost placement, unchanged base first): chr9-128234111-AG-A. GRCh37 (hg19) VCF-style: chr9-130996390-AG-A.
Other names: c.1422+5del (NM_001005336.3, NM_001374269.1, NM_001288738.2 and 2 more transcripts).
Identifiers: ClinVar variation 3018718 (VCV003018718.3), dbSNP rs1280153172, ClinGen allele CA860254039.